The following is an entry in ClinVar:

ClinVar aggregate classification (germline): Uncertain significance. Review status: criteria provided, multiple submitters, no conflicts (2 of 4 stars). 4 submissions from 4 submitters: Uncertain significance (4). Last evaluated 2025-06-18.

Conditions:
Malignant hyperthermia, susceptibility to, 1 (MHS1). Also called: RYR1-Related Malignant Hyperthermia Susceptibility; Anesthesia related hyperthermia; Malignant hyperpyrexia; Fulminating hyperpyrexia; Pharmacogenic myopathy; Malignant hyperthermia suceptibility 1. Identifiers: Orphanet 423, MedGen C2930980, MONDO:0007783, OMIM 145600.
RYR1-related disorder. Also called: RYR1-related condition; RYR1-related disorders. Identifiers: MedGen CN239331.

Allele frequency attached by ClinVar (database versions not stated): ExAC 0.00004.
gnomAD v4.1: 9 of 1,585,680 alleles (0.00057%); highest among the groups gnomAD compares: East Asian, 0.0046%; no homozygotes.

Submissions (4):

Color Diagnostics, LLC DBA Color Health
Classification: Uncertain significance for Malignant hyperthermia, susceptibility to, 1. Last evaluated: 2025-06-18. Review status: criteria provided, single submitter. Criteria: ACMG Guidelines, 2015. Collection method: clinical testing. Allele origin: germline.
Comment: This missense variant replaces arginine with tryptophan at codon 3227 of the RYR1 protein. Computational prediction is inconclusive regarding the impact of this variant on protein structure and function. To our knowledge, functional studies have not been reported for this variant. This variant has not been reported in individuals affected with RYR1-related disorders in the literature. This variant has been identified in 2/202726 chromosomes in the general population by the Genome Aggregation Database (gnomAD). The available evidence is insufficient to determine the role of this variant in disease conclusively. Therefore, this variant is classified as a Variant of Uncertain Significance.

Labcorp Genetics (formerly Invitae), Labcorp
Classification: Uncertain significance for RYR1-related disorder. Last evaluated: 2023-10-03. Review status: criteria provided, single submitter. Criteria: Invitae Variant Classification Sherloc (09022015). Collection method: clinical testing. Allele origin: germline.
Comment: This sequence change replaces arginine, which is basic and polar, with tryptophan, which is neutral and slightly polar, at codon 3227 of the RYR1 protein (p.Arg3227Trp). The frequency data for this variant in the population databases is considered unreliable, as metrics indicate poor data quality at this position in the gnomAD database. This variant has not been reported in the literature in individuals affected with RYR1-related conditions. ClinVar contains an entry for this variant (Variation ID: 567673). Advanced modeling of protein sequence and biophysical properties (such as structural, functional, and spatial information, amino acid conservation, physicochemical variation, residue mobility, and thermodynamic stability) performed at Invitae indicates that this missense variant is expected to disrupt RYR1 protein function. In summary, the available evidence is currently insufficient to determine the role of this variant in disease. Therefore, it has been classified as a Variant of Uncertain Significance.

All of Us Research Program, National Institutes of Health
Classification: Uncertain significance for Malignant hyperthermia, susceptibility to, 1. Last evaluated: 2023-06-27. Review status: criteria provided, single submitter. Criteria: ACMG Guidelines, 2015. Collection method: clinical testing. Allele origin: germline. Inheritance: Autosomal dominant inheritance. Observed: 1 variant allele, 1 heterozygote.
Comment: This study involves interpretation of variants in research participants for the purpose of population health screening. Participant phenotype was not available at the time of variant classification. Additional details can be found in publication PMID: 35346344, PMCID: PMC8962531

Revvity Omics, Revvity
Classification: Uncertain significance. Last evaluated: 2022-04-12. Review status: criteria provided, single submitter. Criteria: ACMG Guidelines, 2015. Collection method: clinical testing. Allele origin: germline.

NM_000540.3(RYR1):c.9679C>T (p.Arg3227Trp)

Gene: RYR1 (ryanodine receptor 1; plus strand). Cytogenetic location: 19q13.2.
Variant type: single nucleotide variant.
Coding change: c.9679C>T on transcript NM_000540.3 (MANE Select); coding-DNA position 9679, C replaced by T.
Protein change: p.Arg3227Trp; replaces arginine 3227 with tryptophan.
Molecular consequence: missense variant.
Genome position (GRCh38, 1-based): chr19:38,516,211, C>T. VCF-style: chr19-38516211-C-T. GRCh37 (hg19) VCF-style: chr19-39006851-C-T.
Other names: c.9679C>T, p.Arg3227Trp (NM_001042723.2); short protein forms R3227W.
Identifiers: ClinVar variation 567673 (VCV000567673.14), dbSNP rs765250427, ClinGen allele CA073971.